The following is an entry in ClinVar:

NM_003072.5(SMARCA4):c.3919G>T (p.Ala1307Ser)

Gene: SMARCA4 (SWI/SNF related BAF chromatin remodeling complex subunit ATPase 4; plus strand). Cytogenetic location: 19p13.2.
Variant type: single nucleotide variant.
Coding change: c.3919G>T on transcript NM_003072.5 (MANE Select); coding-DNA position 3919, G replaced by T.
Protein change: p.Ala1307Ser; replaces alanine 1307 with serine.
Molecular consequence: missense variant. On other transcripts: non-coding transcript variant (1).
Genome position (GRCh38, 1-based): chr19:11,034,168, G>T. VCF-style: chr19-11034168-G-T. GRCh37 (hg19) VCF-style: chr19-11144844-G-T.
Other names: c.3919G>T, p.Ala1307Ser (NM_001128844.3, NM_001128849.3, NM_001387283.1); c.3820G>T, p.Ala1274Ser (NM_001128845.2, NM_001128846.2, NM_001128847.4 and 3 more transcripts); short protein forms A1274S, A1307S.
Identifiers: ClinVar variation 4802584 (VCV004802584.1).

ClinVar aggregate classification (germline): Uncertain significance (1 of 4 stars; one submission).

Conditions:
Rhabdoid tumor predisposition syndrome 2 (RTPS2). Identifiers: Orphanet 231108, Orphanet 69077, MedGen C2750074, MONDO:0013224, OMIM 613325.

gnomAD v4.1: 1 of 1,613,816 alleles (0.000062%); highest among the groups gnomAD compares: Non-Finnish European, 0.000085%; no homozygotes.

Submission:

Labcorp Genetics (formerly Invitae), Labcorp
Classification: Uncertain significance for Rhabdoid tumor predisposition syndrome 2. Last evaluated: 2025-07-02. Review status: criteria provided, single submitter. Criteria: Invitae Variant Classification Sherloc (09022015). Collection method: clinical testing. Allele origin: germline.
Comment: This sequence change replaces alanine, which is neutral and non-polar, with serine, which is neutral and polar, at codon 1307 of the SMARCA4 protein (p.Ala1307Ser). This variant is not present in population databases (gnomAD no frequency). This variant has not been reported in the literature in individuals affected with SMARCA4-related conditions. Invitae Evidence Modeling of protein sequence and biophysical properties (such as structural, functional, and spatial information, amino acid conservation, physicochemical variation, residue mobility, and thermodynamic stability) has been performed for this missense variant. However, the output from this modeling did not meet the statistical confidence thresholds required to predict the impact of this variant on SMARCA4 protein function. In summary, the available evidence is currently insufficient to determine the role of this variant in disease. Therefore, it has been classified as a Variant of Uncertain Significance.